The following is an entry in ClinVar:

NM_001330260.2(SCN8A):c.1052C>T (p.Thr351Ile)

Gene: SCN8A (sodium voltage-gated channel alpha subunit 8; plus strand). Cytogenetic location: 12q13.13.
Variant type: single nucleotide variant.
Coding change: c.1052C>T on transcript NM_001330260.2 (MANE Select); coding-DNA position 1052, C replaced by T.
Protein change: p.Thr351Ile; replaces threonine 351 with isoleucine.
Molecular consequence: missense variant.
Genome position (GRCh38, 1-based): chr12:51,702,832, C>T. VCF-style: chr12-51702832-C-T. GRCh37 (hg19) VCF-style: chr12-52096616-C-T.
Other names: c.1052C>T, p.Thr351Ile (NM_001177984.3, NM_001369788.1, NM_014191.4); short protein forms T351I.
Identifiers: ClinVar variation 2505611 (VCV002505611.2), dbSNP rs2540179073, ClinGen allele CA385227168.
Genomic context (GRCh38, chr12:51,702,832, plus strand): 5'-GGCAATGCCCAGAGGGATACCAGTGTATGAAAGCAGGAAGGAACCCCAACTATGGTTACA[C>T]AAGTTTTGACACTTTTAGCTGGGCCTTCTTGGCATTATTTCGCCTTATGACCCAGGACTA-3'
Protein context (NP_001317189.1, residues 341-361): KAGRNPNYGY[Thr351Ile]SFDTFSWAFL

ClinVar aggregate classification (germline): Uncertain significance (1 of 4 stars; one submission).

Submission:

GeneDx
Classification: Uncertain significance. Last evaluated: 2023-10-04. Review status: criteria provided, single submitter. Criteria: GeneDx Variant Classification Process June 2021. Collection method: clinical testing. Allele origin: germline. Affected: yes.
Comment: Not observed at significant frequency in large population cohorts (gnomAD); In silico analysis supports that this missense variant has a deleterious effect on protein structure/function; Missense variants in this gene are often considered pathogenic (HGMD); This substitution is predicted to be within the extracellular loop between the S5 and S6 transmembrane segments of the first homologous domain; Has not been previously published as pathogenic or benign to our knowledge